The following is an entry in ClinVar:

NM_017780.4(CHD7):c.2587C>T (p.Gln863Ter)

Gene: CHD7 (chromodomain helicase DNA binding protein 7; plus strand). Cytogenetic location: 8q12.2.
Variant type: single nucleotide variant.
Coding change: c.2587C>T on transcript NM_017780.4 (MANE Select); coding-DNA position 2587, C replaced by T.
Protein change: p.Gln863Ter; replaces glutamine 863 with a stop codon.
Molecular consequence: nonsense. On other transcripts: intron variant (1).
Genome position (GRCh38, 1-based): chr8:60,816,475, C>T. VCF-style: chr8-60816475-C-T. GRCh37 (hg19) VCF-style: chr8-61729034-C-T.
Other names: c.1716+35425C>T (NM_001316690.1); c.2587C>T (NM_017780.3, NM_017780.2); short protein forms Q863*.
Identifiers: ClinVar variation 1341361 (VCV001341361.18), dbSNP rs2150739058, ClinGen allele CA371306295.

ClinVar aggregate classification (germline): Pathogenic/Likely pathogenic. Review status: criteria provided, multiple submitters, no conflicts (2 of 4 stars). 3 submissions from 3 submitters: Pathogenic (1); Likely pathogenic (1). 1 of the submissions does not count toward it. Last evaluated 2025-01-17.

Conditions:
CHARGE syndrome (CHARGE). Also called: Hittner Hirsch Kreh syndrome; CHARGE ASSOCIATION--COLOBOMA, HEART ANOMALY, CHOANAL ATRESIA, RETARDATION, GENITAL AND EAR ANOMALIES; Coloboma, heart anomaly, choanal atresia, retardation, genital and ear anomalies; CHARGE association; Hall-Hittner syndrome. Identifiers: Orphanet 138, MedGen C0265354, MONDO:0008965.

Submissions (3):

GeneDx
Classification: Likely pathogenic. Last evaluated: 2025-01-17. Review status: criteria provided, single submitter. Criteria: GeneDx Variant Classification Process June 2021. Collection method: clinical testing. Allele origin: germline. Affected: yes.
Comment: Nonsense variant predicted to result in protein truncation or nonsense mediated decay in a gene for which loss of function is a known mechanism of disease; Not observed at significant frequency in large population cohorts (gnomAD); This variant is associated with the following publications: (PMID: 35015700)

Institute of Medical Genetics and Applied Genomics, University Hospital Tübingen
Classification: Pathogenic for CHD7-related CHARGE syndrome; CHARGE syndrome. Last evaluated: 2022-02-11. Review status: criteria provided, single submitter. Criteria: ACMG Guidelines, 2015. Collection method: clinical testing. Allele origin: de novo. Inheritance: Autosomal dominant inheritance. Affected: yes.

Clinical Laboratory Sciences Program (CLSP), King Saud bin Abdulaziz University for Health Sciences (KSAU-HS)
Classification: Pathogenic for CHD7-related CHARGE syndrome. Last evaluated: 2023-04-01. Review status: no assertion criteria provided. Collection method: clinical testing. Allele origin: germline. Affected: yes. Not counted in ClinVar's aggregate classification.